The following is an entry in ClinVar:

ClinVar aggregate classification (germline): Pathogenic (1 of 4 stars; one submission).

Submission:

GeneDx
Classification: Pathogenic. Last evaluated: 2026-06-22. Review status: criteria provided, single submitter. Criteria: GeneDx Variant Classification Process June 2021. Collection method: clinical testing. Allele origin: germline.
Comment: Identified in patients with clinical features consistent with a CDK13-related disorder referred for genetic testing at GeneDx and in published literature (PMID: 39971730); Frameshift variant predicted to result in protein truncation or nonsense mediated decay in a gene for which loss of function is a known mechanism of disease; Not observed at significant frequency in large population cohorts (gnomAD); This variant is associated with the following publications: (PMID: 39971730)

NM_003718.5(CDK13):c.1860_1863del (p.Glu621fs)

Gene: CDK13 (cyclin dependent kinase 13; plus strand). Cytogenetic location: 7p14.1.
Variant type: Deletion.
Coding change: c.1860_1863del on transcript NM_003718.5 (MANE Select); coding-DNA positions 1860 to 1863, 4 bases deleted (AGAA; older notation c.1860_1863delAGAA).
Protein change: p.Glu621fs; shifts the reading frame from glutamic acid 621.
Molecular consequence: frameshift variant.
Genome position (GRCh38, 1-based): chr7:39,988,247-39,988,250, AGAA deleted; deleting any 4 consecutive bases within chr7:39,988,245-39,988,250 gives the same sequence; the c. name uses the placement nearest the transcript's 3' end. VCF-style (leftmost placement, unchanged base first): chr7-39988244-TAAAG-T. GRCh37 (hg19) VCF-style: chr7-40027843-TAAAG-T.
Other names: c.1860_1863delAGAA, p.Glu621Leufs (NM_031267.4); short protein forms E621fs.
Identifiers: ClinVar variation 3776374 (VCV003776374.2).